The following is an entry in ClinVar:

ClinVar aggregate classification (germline): Uncertain significance (1 of 4 stars; one submission).

Conditions:
Joubert syndrome 21 (JBTS21). Identifiers: MedGen C3810212, MONDO:0014288, OMIM 615636.

Allele frequency attached by ClinVar (database versions not stated): gnomAD 0.00001.
gnomAD v4.1: 2 of 1,613,500 alleles (0.00012%); highest among the groups gnomAD compares: Non-Finnish European, 0.000085%; no homozygotes.

Submission:

Labcorp Genetics (formerly Invitae), Labcorp
Classification: Uncertain significance for Joubert syndrome 21. Last evaluated: 2022-09-01. Review status: criteria provided, single submitter. Criteria: Invitae Variant Classification Sherloc (09022015). Collection method: clinical testing. Allele origin: germline.
Comment: In summary, the available evidence is currently insufficient to determine the role of this variant in disease. Therefore, it has been classified as a Variant of Uncertain Significance. Algorithms developed to predict the effect of missense changes on protein structure and function (SIFT, PolyPhen-2, Align-GVGD) all suggest that this variant is likely to be tolerated. ClinVar contains an entry for this variant (Variation ID: 1429414). This variant has not been reported in the literature in individuals affected with CSPP1-related conditions. This variant is not present in population databases (gnomAD no frequency). This sequence change replaces valine, which is neutral and non-polar, with isoleucine, which is neutral and non-polar, at codon 888 of the CSPP1 protein (p.Val888Ile).

NM_001382391.1(CSPP1):c.2677G>A (p.Val893Ile)

Gene: CSPP1 (centrosome and spindle pole associated protein 1; plus strand). Cytogenetic location: 8q13.2.
Variant type: single nucleotide variant.
Coding change: c.2677G>A on transcript NM_001382391.1 (MANE Select); coding-DNA position 2677, G replaced by A.
Protein change: p.Val893Ile; replaces valine 893 with isoleucine.
Molecular consequence: missense variant.
Genome position (GRCh38, 1-based): chr8:67,163,765, G>A. VCF-style: chr8-67163765-G-A. GRCh37 (hg19) VCF-style: chr8-68076000-G-A.
Other names: c.1627G>A, p.Val543Ile (NM_001291339.2); c.2596G>A, p.Val866Ile (NM_001363131.2); c.2482G>A, p.Val828Ile (NM_001363132.2); c.2401G>A, p.Val801Ile (NM_001363133.2); c.2743G>A, p.Val915Ile (NM_001364869.1); c.2563G>A, p.Val855Ile (NM_001364870.1); c.2662G>A, p.Val888Ile (NM_024790.7); short protein forms V543I, V828I, V855I, V801I, V888I, V893I, V866I, V915I.
Identifiers: ClinVar variation 1429414 (VCV001429414.6), dbSNP rs1828816022, ClinGen allele CA371192806.
Genomic context (GRCh38, chr8:67,163,765, plus strand): 5'-CATGTCTTTGTCATTATTGTTGAACAGGAAAGTTCCATGTCCAGGGCACAGTCACCCCCG[G>A]TACCTGCCAGGAAAAATCAGCTCCGTGCAGAAGGTAGAGTTAACTACTAAACCTGTTACC-3'
Protein context (NP_001369320.1, residues 883-903): SSMSRAQSPP[Val893Ile]PARKNQLRAE